The following is an entry in ClinVar:

NM_001048174.2(MUTYH):c.899A>G (p.Asp300Gly)

Gene: MUTYH (mutY DNA glycosylase; minus strand). Cytogenetic location: 1p34.1.
Variant type: single nucleotide variant.
Coding change: c.899A>G on transcript NM_001048174.2 (MANE Select); coding-DNA position 899, A replaced by G.
Protein change: p.Asp300Gly; replaces aspartic acid 300 with glycine.
Molecular consequence: missense variant. On other transcripts: non-coding transcript variant (7).
Genome position (GRCh38, 1-based): chr1:45,332,037, T>C on the plus strand (A>G on the coding strand, the complement: MUTYH is on the minus strand). VCF-style: chr1-45332037-T-C. GRCh37 (hg19) VCF-style: chr1-45797709-T-C.
Other names: c.860A>G, p.Asp287Gly (NM_001407079.1); c.857A>G, p.Asp286Gly (NM_001407080.1); c.899A>G, p.Asp300Gly (NM_001407081.1, NM_001407088.1, NM_001048173.2 and 6 more transcripts); c.554A>G, p.Asp185Gly (NM_001407082.1, NM_001350650.2, NM_001350651.2); c.941A>G, p.Asp314Gly (NM_001407083.1, NM_001407085.1); c.902A>G, p.Asp301Gly (NM_001407086.1, NM_001048172.2, NM_001407071.1 and 1 more transcripts); c.920A>G, p.Asp307Gly (NM_001407087.1); c.983A>G, p.Asp328Gly (NM_001128425.2); and 5 more; short protein forms D208G, D287G, D300G, D301G, D315G, D185G, D272G, D286G.
Identifiers: ClinVar variation 4113986 (VCV004113986.1).
Genomic context (GRCh38, chr1:45,332,037, plus strand): 5'-GACTGGGCCAGGAAGGGTTGGGGTGGGGGCTAGGTTTGGTGCTCACCACACTCCTCCACG[T>C]CAGGACTGCCCGACAGGCTCCCTGAGGCTAAGAGCTGTTCCTGCTCCACCTGAGAGGCAC-3'
Protein context (NP_001041639.1, residues 290-310): LASGSLSGSP[Asp300Gly]VEECAPNTGQ

ClinVar aggregate classification (germline): Uncertain significance (1 of 4 stars; one submission).

Conditions:
Hereditary cancer-predisposing syndrome. Also called: Hereditary neoplastic syndrome; Neoplastic Syndromes, Hereditary; Tumor predisposition; Hereditary Cancer Syndrome. Identifiers: Orphanet 140162, MedGen C0027672, MeSH D009386, MONDO:0015356.

Submission:

Ambry Genetics
Classification: Uncertain significance for Hereditary cancer-predisposing syndrome. Last evaluated: 2025-08-27. Review status: criteria provided, single submitter. Criteria: Ambry Variant Classification Scheme 2023. Collection method: clinical testing. Allele origin: germline.
Comment: The p.D328G variant (also known as c.983A>G), located in coding exon 11 of the MUTYH gene, results from an A to G substitution at nucleotide position 983. The aspartic acid at codon 328 is replaced by glycine, an amino acid with similar properties. This amino acid position is conserved. In addition, this alteration is predicted to be tolerated by in silico analysis. Based on the available evidence, the clinical significance of this variant remains unclear.